The following is an entry in ClinVar:

NM_032776.3(JMJD1C):c.932C>G (p.Pro311Arg)

Gene: JMJD1C (jumonji domain containing 1C; minus strand). Cytogenetic location: 10q21.3.
Variant type: single nucleotide variant.
Coding change: c.932C>G on transcript NM_032776.3 (MANE Select); coding-DNA position 932, C replaced by G.
Protein change: p.Pro311Arg; replaces proline 311 with arginine.
Molecular consequence: missense variant. On other transcripts: non-coding transcript variant (1).
Genome position (GRCh38, 1-based): chr10:63,215,346, G>C on the plus strand (C>G on the coding strand, the complement: JMJD1C is on the minus strand). VCF-style: chr10-63215346-G-C. GRCh37 (hg19) VCF-style: chr10-64975106-G-C.
Other names: c.386C>G, p.Pro129Arg (NM_001282948.2, NM_001318154.2); c.68C>G, p.Pro23Arg (NM_001318153.2); c.818C>G, p.Pro273Arg (NM_001322252.2); c.275C>G, p.Pro92Arg (NM_001322254.2, NM_001322258.2); short protein forms P129R, P23R, P273R, P311R, P92R.
Identifiers: ClinVar variation 3621321 (VCV003621321.2).
Genomic context (GRCh38, chr10:63,215,346, plus strand): 5'-TTTTCCTCCTTCATCTTCTCTTCATCTGGTATACTGCTATCTGAGCCCTTCCTCTTATTT[G>C]GACGGATACTTCTTTGTTGCTGTTGCTGGTGTGTATTCTGTTTTGGTACAGCAGCTTGGG-3'
Protein context (NP_116165.1, residues 301-321): HQQQQQRSIR[Pro311Arg]NKRKGSDSSI

ClinVar aggregate classification (germline): Uncertain significance (1 of 4 stars; one submission).

Conditions:
Early Myoclonic Encephalopathy. Identifiers: MedGen C0270855.

Submission:

Labcorp Genetics (formerly Invitae), Labcorp
Classification: Uncertain significance for Early Myoclonic Encephalopathy. Last evaluated: 2026-01-17. Review status: criteria provided, single submitter. Criteria: Invitae Variant Classification Sherloc (09022015). Collection method: clinical testing. Allele origin: germline.
Comment: This sequence change replaces proline, which is neutral and non-polar, with arginine, which is basic and polar, at codon 311 of the JMJD1C protein (p.Pro311Arg). This variant is present in population databases (rs535605265, gnomAD 0.006%). This variant has not been reported in the literature in individuals affected with JMJD1C-related conditions. ClinVar contains an entry for this variant (Variation ID: 3621321). An algorithm developed to predict the effect of missense changes on protein structure and function (PolyPhen-2) suggests that this variant is likely to be tolerated. In summary, the available evidence is currently insufficient to determine the role of this variant in disease. Therefore, it has been classified as a Variant of Uncertain Significance.